The following is an entry in ClinVar:

NM_003919.3(SGCE):c.577C>T (p.Pro193Ser)

Genes: CASD1 (CAS1 domain sialic acid O acetyltransferase 1; plus strand), SGCE (sarcoglycan epsilon; minus strand). Cytogenetic location: 7q21.3.
Variant type: single nucleotide variant.
Coding change: c.577C>T on transcript NM_003919.3 (MANE Select); coding-DNA position 577, C replaced by T.
Protein change: p.Pro193Ser; replaces proline 193 with serine.
Molecular consequence: missense variant.
Genome position (GRCh38, 1-based): chr7:94,618,843, G>A on the plus strand (C>T on the coding strand, the complement: SGCE is on the minus strand). VCF-style: chr7-94618843-G-A. GRCh37 (hg19) VCF-style: chr7-94248155-G-A.
Other names: c.577C>T, p.Pro193Ser (NM_001099400.2, NM_001099401.2, NM_001346717.2); c.454C>T, p.Pro152Ser (NM_001301139.2, NM_001362809.2); c.685C>T, p.Pro229Ser (NM_001346713.2, NM_001346715.2); c.490C>T, p.Pro164Ser (NM_001346719.2, NM_001362807.2); c.304C>T, p.Pro102Ser (NM_001346720.2, NM_001362808.2); short protein forms P164S, P102S, P152S, P193S, P229S.
Identifiers: ClinVar variation 1997841 (VCV001997841.4), dbSNP rs2485108684, ClinGen allele CA368235493.
Genomic context (GRCh38, chr7:94,618,843, plus strand): 5'-GTGGCACCCTGCCACCCCTGTCTAGGGCCGATGTGATGTTTATGGCGTTCAGGCGCTCTG[G>A]CTGCCACACATTTTTCACTGCGCCAAGAAAGTCTCCAAGAACCTCACTGGCCAACATTTC-3'
Protein context (NP_003910.1, residues 183-203): FLGAVKNVWQ[Pro193Ser]ERLNAINITS

ClinVar aggregate classification (germline): Uncertain significance (1 of 4 stars; one submission).

Conditions:
Myoclonic dystonia 11 (DYT11). Also called: DYT-SGCE; Myoclonic dystonia; Dystonia 11; Dystonia, alcohol responsive; Hereditary essential myoclonus; SGCE Myoclonus-Dystonia. Identifiers: Orphanet 36899, MedGen C1834570, MONDO:0008044, OMIM 159900.

Submission:

Labcorp Genetics (formerly Invitae), Labcorp
Classification: Uncertain significance for Myoclonic dystonia 11. Last evaluated: 2022-07-13. Review status: criteria provided, single submitter. Criteria: Invitae Variant Classification Sherloc (09022015). Collection method: clinical testing. Allele origin: germline.
Comment: In summary, the available evidence is currently insufficient to determine the role of this variant in disease. Therefore, it has been classified as a Variant of Uncertain Significance. Algorithms developed to predict the effect of missense changes on protein structure and function (SIFT, PolyPhen-2, Align-GVGD) all suggest that this variant is likely to be tolerated. This variant has not been reported in the literature in individuals affected with SGCE-related conditions. This variant is not present in population databases (gnomAD no frequency). This sequence change replaces proline, which is neutral and non-polar, with serine, which is neutral and polar, at codon 193 of the SGCE protein (p.Pro193Ser).